The following is an entry in ClinVar:

ClinVar aggregate classification (germline): Uncertain significance. Review status: criteria provided, multiple submitters, no conflicts (2 of 4 stars). 3 submissions from 3 submitters: Uncertain significance (3). Last evaluated 2025-12-16.

Conditions:
Familial thoracic aortic aneurysm and aortic dissection (TAAD). Also called: Thoracic aortic aneurysms and dissections. Identifiers: Orphanet 91387, MedGen C4707243, MONDO:0019625.
Aortic aneurysm, familial thoracic 4 (AAT4). Also called: AORTIC ANEURYSM/AORTIC DISSECTION AND PATENT DUCTUS ARTERIOSUS. Identifiers: MedGen C1851504, MONDO:0007568, OMIM 132900.

Allele frequency attached by ClinVar (database versions not stated): gnomAD exomes 0.00001; ExAC 0.00002; ESP Exome Variant Server 0.00008.
gnomAD v4.1: 8 of 1,614,070 alleles (0.0005%); highest among the groups gnomAD compares: Non-Finnish European, 0.00068%; no homozygotes.

Submissions (3):

Ambry Genetics
Classification: Uncertain significance for Familial thoracic aortic aneurysm and aortic dissection. Last evaluated: 2025-12-16. Review status: criteria provided, single submitter. Criteria: Ambry Variant Classification Scheme 2023. Collection method: clinical testing. Allele origin: germline.
Comment: The p.Q1556H variant (also known as c.4668A>C), located in coding exon 32 of the MYH11 gene, results from an A to C substitution at nucleotide position 4668. The glutamine at codon 1556 is replaced by histidine, an amino acid with highly similar properties. This amino acid position is conserved. In addition, the in silico prediction for this alteration is inconclusive. Based on the available evidence, the clinical significance of this variant remains unclear.

Color Diagnostics, LLC DBA Color Health
Classification: Uncertain significance for Familial thoracic aortic aneurysm and aortic dissection. Last evaluated: 2024-03-06. Review status: criteria provided, single submitter. Criteria: ACMG Guidelines, 2015. Collection method: clinical testing. Allele origin: germline.
Comment: This missense variant replaces glutamine with histidine at codon 1563 of the MYH11 protein. Computational prediction tool is inconclusive regarding the impact of this variant on protein structure and function (internally defined REVEL score threshold 0.5 < inconclusive < 0.7, PMID: 27666373). Splice site prediction tools suggest that this variant may not impact RNA splicing. To our knowledge, functional studies have not been performed for this variant. This variant has not been reported in individuals affected with cardiovascular disorders in the literature. This variant has been identified in 2/251480 chromosomes in the general population by the Genome Aggregation Database (gnomAD). The available evidence is insufficient to determine the role of this variant in disease conclusively. Therefore, this variant is classified as a Variant of Uncertain Significance.

Labcorp Genetics (formerly Invitae), Labcorp
Classification: Uncertain significance for Aortic aneurysm, familial thoracic 4. Last evaluated: 2022-01-28. Review status: criteria provided, single submitter. Criteria: Invitae Variant Classification Sherloc (09022015). Collection method: clinical testing. Allele origin: germline.
Comment: This sequence change replaces glutamine, which is neutral and polar, with histidine, which is basic and polar, at codon 1563 of the MYH11 protein (p.Gln1563His). This variant is present in population databases (rs148275462, gnomAD 0.0009%). This variant has not been reported in the literature in individuals affected with MYH11-related conditions. ClinVar contains an entry for this variant (Variation ID: 928282). Algorithms developed to predict the effect of missense changes on protein structure and function are either unavailable or do not agree on the potential impact of this missense change (SIFT: "Deleterious"; PolyPhen-2: "Probably Damaging"; Align-GVGD: "Class C0"). In summary, the available evidence is currently insufficient to determine the role of this variant in disease. Therefore, it has been classified as a Variant of Uncertain Significance.

NM_002474.3(MYH11):c.4668A>C (p.Gln1556His)

Genes: MYH11 (myosin heavy chain 11; minus strand), NDE1 (nudE neurodevelopment protein 1; plus strand). Cytogenetic location: 16p13.11.
Variant type: single nucleotide variant.
Coding change: c.4668A>C on transcript NM_002474.3 (MANE Select); coding-DNA position 4668, A replaced by C.
Protein change: p.Gln1556His; replaces glutamine 1556 with histidine.
Molecular consequence: missense variant. On other transcripts: intron variant (2).
Genome position (GRCh38, 1-based): chr16:15,720,962, T>G on the plus strand (A>C on the coding strand, the complement: MYH11 is on the minus strand). VCF-style: chr16-15720962-T-G. GRCh37 (hg19) VCF-style: chr16-15814819-T-G.
Other names: c.4689A>C, p.Gln1563His (NM_001040113.2, NM_001040114.2); c.4668A>C, p.Gln1556His (NM_022844.3); c.948-3229T>G (NM_001143979.2, NM_017668.3); c.4668A>C (NM_002474.2); short protein forms Q1563H, Q1556H.
Identifiers: ClinVar variation 928282 (VCV000928282.7), dbSNP rs148275462, ClinGen allele CA7921591.
Genomic context (GRCh38, chr16:15,720,962, plus strand): 5'-GAACTGGCCCTTGAGCGCCTGCATGTTGACTTCCAGCCGCAGTTTGGCGTCCTCCGTGGC[T>G]TGCAGCTCGTCCTCCAGCTCTTCCAGCTGCGTCTTCATCTCCTCCATCTGGGTCTCCAGG-3'
Protein context (NP_002465.1, residues 1546-1566): TQLEELEDEL[Gln1556His]ATEDAKLRLE